The following is an entry in ClinVar:

ClinVar aggregate classification (germline): Pathogenic. Review status: criteria provided, multiple submitters, no conflicts (2 of 4 stars). 3 submissions from 3 submitters: Pathogenic (3). Last evaluated 2025-09-14.

Conditions:
Hereditary cancer-predisposing syndrome. Also called: Hereditary Cancer Syndrome; Neoplastic Syndromes, Hereditary; Hereditary neoplastic syndrome; Tumor predisposition. Identifiers: Orphanet 140162, MedGen C0027672, MeSH D009386, MONDO:0015356.
Lynch syndrome 5 (LYNCH5). Also called: Hereditary non-polyposis colorectal cancer, type 5; Colorectal cancer, hereditary nonpolyposis, type 5. Identifiers: Orphanet 144, MedGen C1833477, MONDO:0013710, OMIM 614350. Disease mechanism: loss of function.
Hereditary nonpolyposis colorectal neoplasms. Identifiers: MedGen C0009405, MeSH D003123.

Submissions (3):

Labcorp Genetics (formerly Invitae), Labcorp
Classification: Pathogenic for Hereditary nonpolyposis colorectal neoplasms. Last evaluated: 2025-09-14. Review status: criteria provided, single submitter. Criteria: Invitae Variant Classification Sherloc (09022015). Collection method: clinical testing. Allele origin: germline.
Comment: This sequence change creates a premature translational stop signal (p.Leu634Phefs*6) in the MSH6 gene. It is expected to result in an absent or disrupted protein product. Loss-of-function variants in MSH6 are known to be pathogenic (PMID: 18269114, 24362816). This variant is not present in population databases (gnomAD no frequency). This premature translational stop signal has been observed in individual(s) with colorectal cancer (PMID: 28944238). Invitae Evidence Modeling of clinical and family history, age, sex, and reported ancestry of multiple individuals with this MSH6 variant has been performed. This variant is expected to be pathogenic with a positive predictive value of at least 99%. This is a validated machine learning model that incorporates the clinical features of 1,627,235 individuals referred to our laboratory for MSH6 testing. ClinVar contains an entry for this variant (Variation ID: 428423). For these reasons, this variant has been classified as Pathogenic.

Myriad Genetics, Inc.
Classification: Pathogenic for Lynch syndrome 5. Last evaluated: 2023-08-16. Review status: criteria provided, single submitter. Criteria: Myriad Autosomal Dominant, Autosomal Recessive and X-Linked Classification Criteria (2023). Collection method: clinical testing. Allele origin: unknown.
Comment: This variant is considered pathogenic. This variant creates a frameshift predicted to result in premature protein truncation.

Ambry Genetics
Classification: Pathogenic for Hereditary cancer-predisposing syndrome. Last evaluated: 2022-01-13. Review status: criteria provided, single submitter. Criteria: Ambry Variant Classification Scheme 2023. Collection method: clinical testing. Allele origin: germline.
Comment: The c.1901dupT pathogenic mutation, located in coding exon 4 of the MSH6 gene, results from a duplication of T at nucleotide position 1901, causing a translational frameshift with a predicted alternate stop codon (p.L634Ffs*6). This mutation was identified in 1/1231 colorectal cancer cases and in 0/93 unaffected controls (DeRycke MS et al. Mol Genet Genomic Med, 2017 Sep;5:553-569). In addition to the clinical data presented in the literature, this alteration is expected to result in loss of function by premature protein truncation or nonsense-mediated mRNA decay. As such, this alteration is interpreted as a disease-causing mutation.

Literature cited by the submitters: PubMed 18269114 (cited by Labcorp Genetics (formerly Invitae), Labcorp); PubMed 24362816 (cited by Labcorp Genetics (formerly Invitae), Labcorp); PubMed 28944238 (cited by Labcorp Genetics (formerly Invitae), Labcorp and Ambry Genetics).

NM_000179.3(MSH6):c.1901dup (p.Leu634fs)

Gene: MSH6 (mutS homolog 6; plus strand). Cytogenetic location: 2p16.3.
Variant type: Duplication.
Coding change: c.1901dup on transcript NM_000179.3 (MANE Select); coding-DNA position 1901, one base duplicated (T; older notation c.1901dupT).
Protein change: p.Leu634fs; shifts the reading frame from leucine 634.
Molecular consequence: frameshift variant.
Genome position (GRCh38, 1-based): chr2:47,799,884, T duplicated; the last of 3 consecutive T bases (chr2:47,799,882-47,799,884); duplicating any one gives the same sequence. VCF-style (leftmost placement, unchanged base first): chr2-47799881-C-CT. GRCh37 (hg19) VCF-style: chr2-48027020-C-CT.
Other names: c.1511dup, p.Leu504fs (NM_001281492.2); c.995dup, p.Leu332fs (NM_001281493.2, NM_001281494.2); c.1901dupT (NM_000179.2); short protein forms L332fs, L504fs, L634fs.
Identifiers: ClinVar variation 428423 (VCV000428423.18), dbSNP rs587782638, ClinGen allele CA645369238.